The following is an entry in ClinVar:

NM_001005273.3(CHD3):c.5139T>C (p.Asp1713=)

Gene: CHD3 (chromodomain helicase DNA binding protein 3; plus strand). Cytogenetic location: 17p13.1.
Variant type: single nucleotide variant.
Coding change: c.5139T>C on transcript NM_001005273.3 (MANE Select); coding-DNA position 5139, T replaced by C.
Protein change: p.Asp1713=; no amino-acid change (aspartic acid 1713 retained).
Molecular consequence: synonymous variant.
Genome position (GRCh38, 1-based): chr17:7,908,006, T>C. VCF-style: chr17-7908006-T-C. GRCh37 (hg19) VCF-style: chr17-7811324-T-C.
Other names: c.5316T>C, p.Asp1772= (NM_001005271.3); c.5037T>C, p.Asp1679= (NM_005852.4).
Identifiers: ClinVar variation 3053423 (VCV003053423.2), dbSNP rs150988632, ClinGen allele CA8363580.

ClinVar aggregate classification (germline): Benign (0 of 4 stars; one submission).

Conditions:
CHD3-related disorder. Also called: CHD3-related condition.

Allele frequency attached by ClinVar (database versions not stated): gnomAD exomes 0.00043; gnomAD 0.00071; TOPMed 0.00083; ExAC 0.00179; 1000 Genomes Project 30x 0.00344; 1000 Genomes Project 0.00399.
gnomAD v4.1: 737 of 1,604,714 alleles (0.046%); highest among the groups gnomAD compares: East Asian, 1.6%; 12 homozygotes.

Submission:

PreventionGenetics, part of Exact Sciences
Classification: Benign for CHD3-related condition. Last evaluated: 2019-09-13. Review status: no assertion criteria provided. Collection method: clinical testing. Allele origin: germline.
Comment: This variant is classified as benign based on ACMG/AMP sequence variant interpretation guidelines (Richards et al. 2015 PMID: 25741868, with internal and published modifications).